The following is an entry in ClinVar:

NM_005633.4(SOS1):c.2513G>A (p.Cys838Tyr)

Gene: SOS1 (SOS Ras/Rac guanine nucleotide exchange factor 1; minus strand). Cytogenetic location: 2p22.1.
Variant type: single nucleotide variant.
Coding change: c.2513G>A on transcript NM_005633.4 (MANE Select); coding-DNA position 2513, G replaced by A.
Protein change: p.Cys838Tyr; replaces cysteine 838 with tyrosine.
Molecular consequence: missense variant.
Genome position (GRCh38, 1-based): chr2:39,007,191, C>T on the plus strand (G>A on the coding strand, the complement: SOS1 is on the minus strand). VCF-style: chr2-39007191-C-T. GRCh37 (hg19) VCF-style: chr2-39234332-C-T.
Other names: c.2492G>A, p.Cys831Tyr (NM_001382394.1); c.2513G>A, p.Cys838Tyr (NM_001382395.1); short protein forms C831Y, C838Y.
Identifiers: ClinVar variation 1522383 (VCV001522383.9), dbSNP rs747801798, ClinGen allele CA1624388.

ClinVar aggregate classification (germline): Uncertain significance. Review status: criteria provided, multiple submitters, no conflicts (2 of 4 stars). 4 submissions from 3 submitters: Uncertain significance (4). Last evaluated 2025-07-20.

Conditions:
Cardiovascular phenotype. Identifiers: MedGen CN230736.
RASopathy. Also called: rasopathies; Noonan spectrum disorder. Identifiers: Orphanet 536391, MedGen C5555857, MONDO:0021060.
Fibromatosis, gingival, 1 (GINGF1). Identifiers: Orphanet 2024, MedGen C4551558, MONDO:0007609, OMIM 135300.
Noonan syndrome 4 (NS4). Also called: NOONAN SYNDROME WITH PIGMENTED VILLONODULAR SYNOVITIS; SOS1-Related Noonan Syndrome. Identifiers: Orphanet 648, MedGen C1853120, MONDO:0012547, OMIM 610733.

Allele frequency attached by ClinVar (database versions not stated): gnomAD exomes below 0.00001 and 0.00001; gnomAD 0.00002; TOPMed 0.00001; ExAC 0.00002.
gnomAD v4.1: 4 of 1,576,164 alleles (0.00025%); highest among the groups gnomAD compares: African/African-American, 0.004%; no homozygotes.

Submissions (4):

Labcorp Genetics (formerly Invitae), Labcorp
Classification: Uncertain significance for RASopathy. Last evaluated: 2025-07-20. Review status: criteria provided, single submitter. Criteria: Invitae Variant Classification Sherloc (09022015). Collection method: clinical testing. Allele origin: germline.
Comment: This sequence change replaces cysteine, which is neutral and slightly polar, with tyrosine, which is neutral and polar, at codon 838 of the SOS1 protein (p.Cys838Tyr). This variant is present in population databases (rs747801798, gnomAD 0.01%). This variant has not been reported in the literature in individuals affected with SOS1-related conditions. ClinVar contains an entry for this variant (Variation ID: 1522383). An algorithm developed to predict the effect of missense changes on protein structure and function (PolyPhen-2) suggests that this variant is likely to be disruptive. In summary, the available evidence is currently insufficient to determine the role of this variant in disease. Therefore, it has been classified as a Variant of Uncertain Significance.

Ambry Genetics
Classification: Uncertain significance for Cardiovascular phenotype. Last evaluated: 2023-05-17. Review status: criteria provided, single submitter. Criteria: Ambry Variant Classification Scheme 2023. Collection method: clinical testing. Allele origin: germline.
Comment: The p.C838Y variant (also known as c.2513G>A), located in coding exon 16 of the SOS1 gene, results from a G to A substitution at nucleotide position 2513. The cysteine at codon 838 is replaced by tyrosine, an amino acid with highly dissimilar properties. This amino acid position is highly conserved in available vertebrate species. In addition, the in silico prediction for this alteration is inconclusive. Since supporting evidence is limited at this time, the clinical significance of this alteration remains unclear.

Genome-Nilou Lab
Classification: Uncertain significance for Noonan syndrome 4. Review status: criteria provided, single submitter. Criteria: ACMG Guidelines, 2015. Collection method: clinical testing. Allele origin: germline.

Genome-Nilou Lab
Classification: Uncertain significance for Fibromatosis, gingival, 1. Review status: criteria provided, single submitter. Criteria: ACMG Guidelines, 2015. Collection method: clinical testing. Allele origin: germline.